The following is an entry in ClinVar:

ClinVar aggregate classification (germline): Uncertain significance. Review status: criteria provided, multiple submitters, no conflicts (2 of 4 stars). 2 submissions from 2 submitters: Uncertain significance (2). Last evaluated 2025-11-12.

Conditions:
Inborn genetic diseases. Identifiers: MedGen C0950123, MeSH D030342.

Allele frequency attached by ClinVar (database versions not stated): gnomAD exomes 0.00002; ExAC 0.00004; gnomAD 0.00013; TOPMed 0.00016; 1000 Genomes Project 30x 0.00031; 1000 Genomes Project 0.00040.
gnomAD v4.1: 42 of 1,609,986 alleles (0.0026%); highest among the groups gnomAD compares: African/African-American, 0.048%; no homozygotes.

Submissions (2):

Women's Health and Genetics/Laboratory Corporation of America, LabCorp
Classification: Uncertain significance. Last evaluated: 2025-11-12. Review status: criteria provided, single submitter. Criteria: LabCorp Variant Classification Summary - May 2015. Collection method: clinical testing. Allele origin: germline.
Comment: Variant summary: CCDC88C c.2861A>G (p.Asp954Gly) results in a non-conservative amino acid change in the encoded protein sequence. Algorithms developed to predict the effect of missense changes on protein structure and function are either unavailable or do not agree on the potential impact of this missense change. The variant allele was found at a frequency of 4e-05 in 247082 control chromosomes. This frequency is not significantly higher than estimated for disease-causing variants in CCDC88C, allowing no conclusion about variant significance. To our knowledge, no occurrence of c.2861A>G in individuals affected with CCDC88C-related conditions and no experimental evidence demonstrating its impact on protein function have been reported. ClinVar contains an entry for this variant (Variation ID: 2456109). Based on the evidence outlined above, the variant was classified as uncertain significance.

Ambry Genetics
Classification: Uncertain significance for Inborn genetic diseases. Last evaluated: 2023-02-10. Review status: criteria provided, single submitter. Criteria: Ambry Variant Classification Scheme 2023. Collection method: clinical testing. Allele origin: germline.

NM_001080414.4(CCDC88C):c.2861A>G (p.Asp954Gly)

Gene: CCDC88C (coiled-coil and HOOK domain protein 88C; minus strand). Cytogenetic location: 14q32.11.
Variant type: single nucleotide variant.
Coding change: c.2861A>G on transcript NM_001080414.4 (MANE Select); coding-DNA position 2861, A replaced by G.
Protein change: p.Asp954Gly; replaces aspartic acid 954 with glycine.
Molecular consequence: missense variant.
Genome position (GRCh38, 1-based): chr14:91,309,862, T>C on the plus strand (A>G on the coding strand, the complement: CCDC88C is on the minus strand). VCF-style: chr14-91309862-T-C. GRCh37 (hg19) VCF-style: chr14-91776206-T-C.
Other names: short protein forms D954G.
Identifiers: ClinVar variation 2456109 (VCV002456109.3), dbSNP rs559542065, ClinGen allele CA7309536.